The following is an entry in ClinVar:

ClinVar aggregate classification (germline): Benign (1 of 4 stars; one submission).

Conditions:
Familial adenomatous polyposis 1 (FAP1). Also called: POLYPOSIS, ADENOMATOUS INTESTINAL; FAMILIAL ADENOMATOUS POLYPOSIS 1, ATTENUATED. Identifiers: MedGen C2713442, MONDO:0021056, OMIM 175100. Disease mechanism: loss of function.

Submission:

Myriad Genetics, Inc.
Classification: Benign for Familial adenomatous polyposis 1. Last evaluated: 2024-04-02. Review status: criteria provided, single submitter. Criteria: Myriad Autosomal Dominant, Autosomal Recessive and X-Linked Classification Criteria (2023). Collection method: clinical testing. Allele origin: unknown.
Comment: This variant is considered benign. This variant is a silent/synonymous amino acid change and it is not expected to impact splicing.

NM_000038.6(APC):c.5571A>G (p.Ser1857=)

Gene: APC (APC regulator of Wnt signaling pathway; plus strand). Cytogenetic location: 5q22.2.
Variant type: single nucleotide variant.
Coding change: c.5571A>G on transcript NM_000038.6 (MANE Select); coding-DNA position 5571, A replaced by G.
Protein change: p.Ser1857=; no amino-acid change (serine 1857 retained).
Molecular consequence: synonymous variant. On other transcripts: non-coding transcript variant (2).
Genome position (GRCh38, 1-based): chr5:112,841,165, A>G. VCF-style: chr5-112841165-A-G. GRCh37 (hg19) VCF-style: chr5-112176862-A-G.
Other names: c.5571A>G, p.Ser1857= (NM_001127510.3, NM_001354895.2, NM_001407450.1); c.5517A>G, p.Ser1839= (NM_001127511.3); c.5625A>G, p.Ser1875= (NM_001354896.2, NM_001407447.1, NM_001407448.1 and 1 more transcripts); c.5601A>G, p.Ser1867= (NM_001354897.2); c.5496A>G, p.Ser1832= (NM_001354898.2); c.5487A>G, p.Ser1829= (NM_001354899.2); c.5448A>G, p.Ser1816= (NM_001354900.2); c.5394A>G, p.Ser1798= (NM_001354901.2, NM_001407453.1); and 11 more.
Identifiers: ClinVar variation 3253852 (VCV003253852.1), dbSNP rs376624613.